The following is an entry in ClinVar:

ClinVar aggregate classification (germline): Uncertain significance. Review status: criteria provided, multiple submitters, no conflicts (2 of 4 stars). 2 submissions from 2 submitters: Uncertain significance (2). Last evaluated 2022-10-05.

Conditions:
Severe combined immunodeficiency due to DNA-PKcs deficiency. Also called: IMMUNODEFICIENCY 26 WITH NEUROLOGIC ABNORMALITIES; Immunodeficiency 26 with or without neurologic abnormalities. Identifiers: Orphanet 317425, MedGen C4014833, MONDO:0014423, OMIM 615966.

Allele frequency attached by ClinVar (database versions not stated): gnomAD 0.00001; gnomAD exomes 0.00001; TOPMed 0.00002.
gnomAD v4.1: 19 of 1,613,888 alleles (0.0012%); highest among the groups gnomAD compares: Non-Finnish European, 0.0016%; no homozygotes.

Submissions (2):

Labcorp Genetics (formerly Invitae), Labcorp
Classification: Uncertain significance for Severe combined immunodeficiency due to DNA-PKcs deficiency. Last evaluated: 2022-10-05. Review status: criteria provided, single submitter. Criteria: Invitae Variant Classification Sherloc (09022015). Collection method: clinical testing. Allele origin: germline.
Comment: This sequence change replaces lysine, which is basic and polar, with arginine, which is basic and polar, at codon 2786 of the PRKDC protein (p.Lys2786Arg). This variant is not present in population databases (gnomAD no frequency). This variant has not been reported in the literature in individuals affected with PRKDC-related conditions. ClinVar contains an entry for this variant (Variation ID: 647305). In summary, the available evidence is currently insufficient to determine the role of this variant in disease. Therefore, it has been classified as a Variant of Uncertain Significance.

Fulgent Genetics
Classification: Uncertain significance for Severe combined immunodeficiency due to DNA-PKcs deficiency. Last evaluated: 2021-10-26. Review status: criteria provided, single submitter. Criteria: ACMG Guidelines, 2015. Collection method: clinical testing. Allele origin: unknown.

NM_006904.7(PRKDC):c.8357A>G (p.Lys2786Arg)

Gene: PRKDC (protein kinase, DNA-activated, catalytic subunit; minus strand). Cytogenetic location: 8q11.21.
Variant type: single nucleotide variant.
Coding change: c.8357A>G on transcript NM_006904.7 (MANE Select); coding-DNA position 8357, A replaced by G.
Protein change: p.Lys2786Arg; replaces lysine 2786 with arginine.
Molecular consequence: missense variant.
Genome position (GRCh38, 1-based): chr8:47,830,645, T>C on the plus strand (A>G on the coding strand, the complement: PRKDC is on the minus strand). VCF-style: chr8-47830645-T-C. GRCh37 (hg19) VCF-style: chr8-48743206-T-C.
Other names: c.8357A>G, p.Lys2786Arg (NM_001081640.2); short protein forms K2786R.
Identifiers: ClinVar variation 647305 (VCV000647305.4), dbSNP rs1261223784, ClinGen allele CA371146773.